The following is an entry in ClinVar:

ClinVar aggregate classification (germline): Uncertain significance (1 of 4 stars; one submission).

Allele frequency attached by ClinVar (database versions not stated): gnomAD exomes below 0.00001; TOPMed 0.00001; gnomAD 0.00001.
gnomAD v4.1: 7 of 1,613,606 alleles (0.00043%); highest among the groups gnomAD compares: African/African-American, 0.0027%; no homozygotes.

Submission:

Labcorp Genetics (formerly Invitae), Labcorp
Classification: Uncertain significance. Last evaluated: 2022-08-16. Review status: criteria provided, single submitter. Criteria: Invitae Variant Classification Sherloc (09022015). Collection method: clinical testing. Allele origin: germline.
Comment: This variant has not been reported in the literature in individuals affected with OBSL1-related conditions. In summary, the available evidence is currently insufficient to determine the role of this variant in disease. Therefore, it has been classified as a Variant of Uncertain Significance. Algorithms developed to predict the effect of missense changes on protein structure and function are either unavailable or do not agree on the potential impact of this missense change (SIFT: "Deleterious"; PolyPhen-2: "Possibly Damaging"; Align-GVGD: "Class C0"). ClinVar contains an entry for this variant (Variation ID: 1462463). This variant is present in population databases (no rsID available, gnomAD 0.01%). This sequence change replaces valine, which is neutral and non-polar, with methionine, which is neutral and non-polar, at codon 865 of the OBSL1 protein (p.Val865Met).

NM_015311.3(OBSL1):c.2593G>A (p.Val865Met)

Gene: OBSL1 (obscurin like cytoskeletal adaptor 1; minus strand). Cytogenetic location: 2q35.
Variant type: single nucleotide variant.
Coding change: c.2593G>A on transcript NM_015311.3 (MANE Select); coding-DNA position 2593, G replaced by A.
Protein change: p.Val865Met; replaces valine 865 with methionine.
Molecular consequence: missense variant.
Genome position (GRCh38, 1-based): chr2:219,563,442, C>T on the plus strand (G>A on the coding strand, the complement: OBSL1 is on the minus strand). VCF-style: chr2-219563442-C-T. GRCh37 (hg19) VCF-style: chr2-220428164-C-T.
Other names: c.2593G>A, p.Val865Met (NM_001173408.2, NM_001173431.2); short protein forms V865M.
Identifiers: ClinVar variation 1462463 (VCV001462463.7), dbSNP rs1335147149, ClinGen allele CA350748192.
Genomic context (GRCh38, chr2:219,563,442, plus strand): 5'-ACTCATCTCCAGCGACGCACTGAAACTCGCCCCCGTCTGAGGGCTGGGTGGCGGGCAGCA[C>T]CAGGCGGCGATGGGGCCCCTCATTCTCCAGCACCACGAAGTCACTCTCCTCCACCTCCTG-3'
Protein context (NP_056126.1, residues 855-875): LENEGPHRRL[Val865Met]LPATQPSDGG